The following is an entry in ClinVar:

ClinVar aggregate classification (germline): Uncertain significance (1 of 4 stars; one submission).

Conditions:
Mitochondrial complex II deficiency, nuclear type 1. Also called: SUCCINATE CoQ REDUCTASE DEFICIENCY. Identifiers: Orphanet 3208, MedGen C5700310, MONDO:0100294, OMIM 252011.
Pheochromocytoma/paraganglioma syndrome 5. Also called: Paragangliomas 5; SDHA-Related Hereditary Paraganglioma-Pheochromocytoma Syndrome. Identifiers: Orphanet 29072, MedGen C3279992, MONDO:0013602, OMIM 614165.

Submission:

Labcorp Genetics (formerly Invitae), Labcorp
Classification: Uncertain significance for Pheochromocytoma/paraganglioma syndrome 5; Mitochondrial complex II deficiency, nuclear type 1. Last evaluated: 2024-05-25. Review status: criteria provided, single submitter. Criteria: Invitae Variant Classification Sherloc (09022015). Collection method: clinical testing. Allele origin: germline.
Comment: This sequence change replaces tyrosine, which is neutral and polar, with cysteine, which is neutral and slightly polar, at codon 55 of the SDHA protein (p.Tyr55Cys). This variant is not present in population databases (gnomAD no frequency). This variant has not been reported in the literature in individuals affected with SDHA-related conditions. ClinVar contains an entry for this variant (Variation ID: 1484312). Advanced modeling of protein sequence and biophysical properties (such as structural, functional, and spatial information, amino acid conservation, physicochemical variation, residue mobility, and thermodynamic stability) has been performed at Invitae for this missense variant, however the output from this modeling did not meet the statistical confidence thresholds required to predict the impact of this variant on SDHA protein function. In summary, the available evidence is currently insufficient to determine the role of this variant in disease. Therefore, it has been classified as a Variant of Uncertain Significance.

NM_004168.4(SDHA):c.164A>G (p.Tyr55Cys)

Gene: SDHA (succinate dehydrogenase complex flavoprotein subunit A; plus strand). Cytogenetic location: 5p15.33.
Variant type: single nucleotide variant.
Coding change: c.164A>G on transcript NM_004168.4 (MANE Select); coding-DNA position 164, A replaced by G.
Protein change: p.Tyr55Cys; replaces tyrosine 55 with cysteine.
Molecular consequence: missense variant.
Genome position (GRCh38, 1-based): chr5:224,373, A>G. VCF-style: chr5-224373-A-G. GRCh37 (hg19) VCF-style: chr5-224488-A-G.
Other names: c.164A>G, p.Tyr55Cys (NM_001294332.2, NM_001330758.2); short protein forms Y55C.
Identifiers: ClinVar variation 1484312 (VCV001484312.8), dbSNP rs2126542365, ClinGen allele CA359008395.
Genomic context (GRCh38, chr5:224,373, plus strand): 5'-TTGGCATAGTGGAACATGTGATTGACAGGTGAATTTTTCTTTTCCAGATTTCTGCTCAGT[A>G]TCCAGTAGTGGATCATGAATTTGATGCAGTGGTGGTAGGCGCTGGAGGGGCAGGCTTGCG-3'
Protein context (NP_004159.2, residues 45-65): AKVSDSISAQ[Tyr55Cys]PVVDHEFDAV